The following is an entry in ClinVar:

NM_001164508.2(NEB):c.481A>G (p.Lys161Glu)

Gene: NEB (nebulin; minus strand). Cytogenetic location: 2q23.3.
Variant type: single nucleotide variant.
Coding change: c.481A>G on transcript NM_001164508.2 (MANE Select); coding-DNA position 481, A replaced by G.
Protein change: p.Lys161Glu; replaces lysine 161 with glutamic acid.
Molecular consequence: missense variant.
Genome position (GRCh38, 1-based): chr2:151,724,883, T>C on the plus strand (A>G on the coding strand, the complement: NEB is on the minus strand). VCF-style: chr2-151724883-T-C. GRCh37 (hg19) VCF-style: chr2-152581397-T-C.
Other names: c.481A>G, p.Lys161Glu (NM_001164507.2, NM_001271208.2, NM_004543.5); short protein forms K161E.
Identifiers: ClinVar variation 1058852 (VCV001058852.6), dbSNP rs1440684786, ClinGen allele CA348792692.

ClinVar aggregate classification (germline): Uncertain significance (1 of 4 stars; one submission).

Conditions:
Nemaline myopathy 2 (NEM2). Also called: Nemaline myopathy 2, autosomal recessive. Identifiers: MedGen C1850569, MONDO:0009725, OMIM 256030.

Allele frequency attached by ClinVar (database versions not stated): gnomAD exomes below 0.00001.
gnomAD v4.1: 1 of 1,613,798 alleles (0.000062%); highest among the groups gnomAD compares: Non-Finnish European, 0.000085%; no homozygotes.

Submission:

Labcorp Genetics (formerly Invitae), Labcorp
Classification: Uncertain significance for Nemaline myopathy 2. Last evaluated: 2021-08-28. Review status: criteria provided, single submitter. Criteria: Invitae Variant Classification Sherloc (09022015). Collection method: clinical testing. Allele origin: germline.
Comment: This sequence change replaces lysine with glutamic acid at codon 161 of the NEB protein (p.Lys161Glu). The lysine residue is highly conserved and there is a small physicochemical difference between lysine and glutamic acid. This variant is not present in population databases (ExAC no frequency). This variant has not been reported in the literature in individuals affected with NEB-related conditions. Algorithms developed to predict the effect of missense changes on protein structure and function are either unavailable or do not agree on the potential impact of this missense change (SIFT: "Deleterious"; PolyPhen-2: "Not Available"; Align-GVGD: "Class C0"). Algorithms developed to predict the effect of sequence changes on RNA splicing suggest that this variant may create or strengthen a splice site. In summary, the available evidence is currently insufficient to determine the role of this variant in disease. Therefore, it has been classified as a Variant of Uncertain Significance.